The following is an entry in ClinVar:

ClinVar aggregate classification (germline): Uncertain significance (1 of 4 stars; one submission).

Conditions:
Ataxia-telangiectasia syndrome (AT). Also called: Ataxia telangiectasia (A-T); ATAXIA-TELANGIECTASIA, COMPLEMENTATION GROUP A; ATAXIA-TELANGIECTASIA, FRESNO VARIANT; Ataxia-telangiectasia; Ataxia-telangiectasia, complementation group E; LOUIS-BAR SYNDROME. Identifiers: Orphanet 100, MedGen C0004135, MONDO:0008840, OMIM 208900.

gnomAD v4.1: 1 of 1,602,158 alleles (0.000062%); no homozygotes.

Submission:

Labcorp Genetics (formerly Invitae), Labcorp
Classification: Uncertain significance for Ataxia-telangiectasia syndrome. Last evaluated: 2020-09-01. Review status: criteria provided, single submitter. Criteria: Invitae Variant Classification Sherloc (09022015). Collection method: clinical testing. Allele origin: germline.
Comment: This variant has not been reported in the literature in individuals with ATM-related conditions. This sequence change replaces glutamic acid with lysine at codon 2200 of the ATM protein (p.Glu2200Lys). The glutamic acid residue is moderately conserved and there is a small physicochemical difference between glutamic acid and lysine. This variant is not present in population databases (ExAC no frequency). Advanced modeling of protein sequence and biophysical properties (such as structural, functional, and spatial information, amino acid conservation, physicochemical variation, residue mobility, and thermodynamic stability) performed at Invitae indicates that this missense variant is not expected to disrupt ATM protein function. In summary, the available evidence is currently insufficient to determine the role of this variant in disease. Therefore, it has been classified as a Variant of Uncertain Significance.

NM_000051.4(ATM):c.6598G>A (p.Glu2200Lys)

Genes: ATM (ATM serine/threonine kinase; plus strand), C11orf65 (chromosome 11 open reading frame 65; minus strand). Cytogenetic location: 11q22.3.
Variant type: single nucleotide variant.
Coding change: c.6598G>A on transcript NM_000051.4 (MANE Select); coding-DNA position 6598, G replaced by A.
Protein change: p.Glu2200Lys; replaces glutamic acid 2200 with lysine.
Molecular consequence: missense variant. On other transcripts: intron variant (2).
Genome position (GRCh38, 1-based): chr11:108,325,335, G>A. VCF-style: chr11-108325335-G-A. GRCh37 (hg19) VCF-style: chr11-108196062-G-A.
Other names: c.6598G>A, p.Glu2200Lys (NM_001351834.2); c.641-16264C>T (NM_001330368.2); c.*38+9885C>T (NM_001351110.2); short protein forms E2200K.
Identifiers: ClinVar variation 1036648 (VCV001036648.9), dbSNP rs2085552425, ClinGen allele CA382554694.